The following is an entry in ClinVar:

NM_001276270.2(MBD4):c.248G>A (p.Arg83His)

Gene: MBD4 (methyl-CpG binding domain 4, DNA glycosylase; minus strand). Cytogenetic location: 3q21.3.
Variant type: single nucleotide variant.
Coding change: c.248G>A on transcript NM_001276270.2 (MANE Select); coding-DNA position 248, G replaced by A.
Protein change: p.Arg83His; replaces arginine 83 with histidine.
Molecular consequence: missense variant. On other transcripts: splice donor variant (1).
Genome position (GRCh38, 1-based): chr3:129,437,807, C>T on the plus strand (G>A on the coding strand, the complement: MBD4 is on the minus strand). VCF-style: chr3-129437807-C-T. GRCh37 (hg19) VCF-style: chr3-129156650-C-T.
Other names: c.248G>A, p.Arg83His (NM_001276271.2, NM_001276272.2, NM_003925.3); c.247+1G>A (NM_001276273.2); short protein forms R83H.
Identifiers: ClinVar variation 2098655 (VCV002098655.5), dbSNP rs554600762, ClinGen allele CA2605575.

ClinVar aggregate classification (germline): Conflicting classifications of pathogenicity. Review status: criteria provided, conflicting classifications (1 of 4 stars). 2 submissions from 2 submitters: Uncertain significance (1); Likely benign (1). Last evaluated 2025-11-25.

Conditions:
Inborn genetic diseases. Identifiers: MedGen C0950123, MeSH D030342.

Allele frequency attached by ClinVar (database versions not stated): 1000 Genomes Project 30x 0.00016; gnomAD 0.00001; TOPMed 0.00002; 1000 Genomes Project 0.00020; ExAC 0.00001.
gnomAD v4.1: 26 of 1,614,146 alleles (0.0016%); highest among the groups gnomAD compares: Middle Eastern, 0.033%; no homozygotes.

Submissions (2):

Labcorp Genetics (formerly Invitae), Labcorp
Classification: Uncertain significance. Last evaluated: 2025-11-25. Review status: criteria provided, single submitter. Criteria: Invitae Variant Classification Sherloc (09022015). Collection method: clinical testing. Allele origin: germline.
Comment: This sequence change replaces arginine, which is basic and polar, with histidine, which is basic and polar, at codon 83 of the MBD4 protein (p.Arg83His). This variant is present in population databases (rs554600762, gnomAD 0.007%). This missense change has been observed in individual(s) with lung cancer (PMID: 36113475). ClinVar contains an entry for this variant (Variation ID: 2098655). An algorithm developed to predict the effect of missense changes on protein structure and function outputs the following: PolyPhen-2: "Benign". The histidine amino acid residue is found in multiple mammalian species, which suggests that this missense change does not adversely affect protein function. In summary, the available evidence is currently insufficient to determine the role of this variant in disease. Therefore, it has been classified as a Variant of Uncertain Significance.

Ambry Genetics
Classification: Likely benign for Inborn genetic diseases. Last evaluated: 2025-02-14. Review status: criteria provided, single submitter. Criteria: Ambry Variant Classification Scheme 2023. Collection method: clinical testing. Allele origin: germline.

Literature cited by the submitters: PubMed 36113475 (cited by Labcorp Genetics (formerly Invitae), Labcorp).